The following is an entry in ClinVar:

NM_003737.4(DCHS1):c.5908C>T (p.Pro1970Ser)

Gene: DCHS1 (dachsous cadherin-related 1; minus strand). Cytogenetic location: 11p15.4.
Variant type: single nucleotide variant.
Coding change: c.5908C>T on transcript NM_003737.4 (MANE Select); coding-DNA position 5908, C replaced by T.
Protein change: p.Pro1970Ser; replaces proline 1970 with serine.
Molecular consequence: missense variant.
Genome position (GRCh38, 1-based): chr11:6,627,131, G>A on the plus strand (C>T on the coding strand, the complement: DCHS1 is on the minus strand). VCF-style: chr11-6627131-G-A. GRCh37 (hg19) VCF-style: chr11-6648362-G-A.
Other names: c.5908C>T (NM_003737.2); short protein forms P1970S.
Identifiers: ClinVar variation 1523807 (VCV001523807.9), dbSNP rs1435983023, ClinGen allele CA379391255.

ClinVar aggregate classification (germline): Uncertain significance. Review status: criteria provided, multiple submitters, no conflicts (2 of 4 stars). 2 submissions from 2 submitters: Uncertain significance (2). Last evaluated 2025-05-07.

Conditions:
Inborn genetic diseases. Identifiers: MedGen C0950123, MeSH D030342.

Allele frequency attached by ClinVar (database versions not stated): TOPMed 0.00001; gnomAD 0.00002; gnomAD exomes below 0.00001 and 0.00001.
gnomAD v4.1: 9 of 1,612,550 alleles (0.00056%); highest among the groups gnomAD compares: Non-Finnish European, 0.00076%; no homozygotes.

Submissions (2):

Ambry Genetics
Classification: Uncertain significance for Inborn genetic diseases. Last evaluated: 2025-05-07. Review status: criteria provided, single submitter. Criteria: Ambry Variant Classification Scheme 2023. Collection method: clinical testing. Allele origin: germline.

Labcorp Genetics (formerly Invitae), Labcorp
Classification: Uncertain significance. Last evaluated: 2023-10-23. Review status: criteria provided, single submitter. Criteria: Invitae Variant Classification Sherloc (09022015). Collection method: clinical testing. Allele origin: germline.
Comment: This sequence change replaces proline, which is neutral and non-polar, with serine, which is neutral and polar, at codon 1970 of the DCHS1 protein (p.Pro1970Ser). This variant is present in population databases (no rsID available, gnomAD 0.0009%). This variant has not been reported in the literature in individuals affected with DCHS1-related conditions. ClinVar contains an entry for this variant (Variation ID: 1523807). Advanced modeling of protein sequence and biophysical properties (such as structural, functional, and spatial information, amino acid conservation, physicochemical variation, residue mobility, and thermodynamic stability) performed at Invitae indicates that this missense variant is expected to disrupt DCHS1 protein function with a positive predictive value of 80%. In summary, the available evidence is currently insufficient to determine the role of this variant in disease. Therefore, it has been classified as a Variant of Uncertain Significance.